The following is an entry in ClinVar:

NM_001008537.3(NEXMIF):c.3429T>C (p.Asp1143=)

Gene: NEXMIF (neurite extension and migration factor; minus strand). Cytogenetic location: Xq13.3.
Variant type: single nucleotide variant.
Coding change: c.3429T>C on transcript NM_001008537.3 (MANE Select); coding-DNA position 3429, T replaced by C.
Protein change: p.Asp1143=; no amino-acid change (aspartic acid 1143 retained).
Molecular consequence: synonymous variant.
Genome position (GRCh38, 1-based): chrX:74,741,128, A>G on the plus strand (T>C on the coding strand, the complement: NEXMIF is on the minus strand). VCF-style: chrX-74741128-A-G. GRCh37 (hg19) VCF-style: chrX-73960963-A-G.
Identifiers: ClinVar variation 2660931 (VCV002660931.24), dbSNP rs2519912249, ClinGen allele CA517466403.

ClinVar aggregate classification (germline): Likely benign (1 of 4 stars; one submission).

Allele frequency attached by ClinVar (database versions not stated): gnomAD exomes below 0.00001.
gnomAD v4.1: 1 of 1,210,639 alleles (0.000083%); highest among the groups gnomAD compares: Non-Finnish European, 0.00011%; no homozygotes.

Submission:

CeGaT Center for Human Genetics Tuebingen
Classification: Likely benign. Last evaluated: 2022-08-01. Review status: criteria provided, single submitter. Criteria: CeGaT Center For Human Genetics Tuebingen Variant Classification Criteria Version 2. Collection method: clinical testing. Allele origin: germline. Affected: yes. Observed: 1 variant allele.
Comment: NEXMIF: PM2:Supporting, BP4, BP7